The following is an entry in ClinVar:

ClinVar aggregate classification (germline): Uncertain significance (1 of 4 stars; one submission).

Allele frequency attached by ClinVar (database versions not stated): gnomAD exomes below 0.00001.
gnomAD v4.1: 2 of 1,614,144 alleles (0.00012%); highest among the groups gnomAD compares: African/African-American, 0.0027%; no homozygotes.

Submission:

Labcorp Genetics (formerly Invitae), Labcorp
Classification: Uncertain significance. Last evaluated: 2022-06-22. Review status: criteria provided, single submitter. Criteria: Invitae Variant Classification Sherloc (09022015). Collection method: clinical testing. Allele origin: germline.
Comment: This sequence change replaces aspartic acid, which is acidic and polar, with valine, which is neutral and non-polar, at codon 1097 of the LIFR protein (p.Asp1097Val). This variant is not present in population databases (gnomAD no frequency). This variant has not been reported in the literature in individuals affected with LIFR-related conditions. Algorithms developed to predict the effect of missense changes on protein structure and function are either unavailable or do not agree on the potential impact of this missense change (SIFT: "Tolerated"; PolyPhen-2: "Probably Damaging"; Align-GVGD: "Class C0"). In summary, the available evidence is currently insufficient to determine the role of this variant in disease. Therefore, it has been classified as a Variant of Uncertain Significance.

NM_001127671.2(LIFR):c.3290A>T (p.Asp1097Val)

Gene: LIFR (LIF receptor subunit alpha; minus strand). Cytogenetic location: 5p13.1.
Variant type: single nucleotide variant.
Coding change: c.3290A>T on transcript NM_001127671.2 (MANE Select); coding-DNA position 3290, A replaced by T.
Protein change: p.Asp1097Val; replaces aspartic acid 1097 with valine.
Molecular consequence: missense variant.
Genome position (GRCh38, 1-based): chr5:38,481,599, T>A on the plus strand (A>T on the coding strand, the complement: LIFR is on the minus strand). VCF-style: chr5-38481599-T-A. GRCh37 (hg19) VCF-style: chr5-38481701-T-A.
Other names: c.3290A>T, p.Asp1097Val (NM_001364297.2, NM_002310.6); c.3257A>T, p.Asp1086Val (NM_001364298.2); short protein forms D1097V, D1086V.
Identifiers: ClinVar variation 1943062 (VCV001943062.2), dbSNP rs566182850, ClinGen allele CA117133899.
Genomic context (GRCh38, chr5:38,481,599, plus strand): 5'-AACACTAGCAGTAAGAGCTTATTGAGATGGCTGACTGAAGTGACACGGTGACACTGTTAA[T>A]CGTTTGGTTTGTTCTGAAAAAAGTTTGTAAAGGACCACCCTCCTCCATTAGATTTAGGAG-3'
Protein context (NP_001121143.1, residues 1087-1097): FTNFFQNKPN[Asp1097Val]